The following is an entry in ClinVar:

ClinVar aggregate classification (germline): Conflicting classifications of pathogenicity. Review status: criteria provided, conflicting classifications (1 of 4 stars). 5 submissions from 5 submitters: Uncertain significance (1); Likely benign (4). Last evaluated 2026-09-22.

Conditions:
IGHMBP2-related disorder. Also called: IGHMBP2-related disorders; IGHMBP2-related condition.
Inborn genetic diseases. Identifiers: MedGen C0950123, MeSH D030342.
Autosomal recessive distal spinal muscular atrophy 1. Also called: HMN VI; NEURONOPATHY, SEVERE INFANTILE AXONAL, WITH RESPIRATORY FAILURE; SEVERE INFANTILE AXONAL NEUROPATHY WITH RESPIRATORY FAILURE; SPINAL MUSCULAR ATROPHY, DIAPHRAGMATIC; NEURONOPATHY, DISTAL HEREDITARY MOTOR, HARDING TYPE VI; NEUROPATHY, DISTAL HEREDITARY MOTOR, AUTOSOMAL RECESSIVE 1. Identifiers: Orphanet 98920, MedGen C1858517, MONDO:0011436, OMIM 604320.
Charcot-Marie-Tooth disease axonal type 2S. Also called: CHARCOT-MARIE-TOOTH DISEASE, AXONAL, AUTOSOMAL RECESSIVE, TYPE 2S; CHARCOT-MARIE-TOOTH NEUROPATHY, TYPE 2S. Identifiers: Orphanet 443073, MedGen C4015349, MONDO:0014511, OMIM 616155.

Allele frequency attached by ClinVar (database versions not stated): gnomAD 0.00001 and 0.00003; gnomAD exomes 0.00004 and 0.00005; ExAC 0.00007; TOPMed 0.00007; ESP Exome Variant Server 0.00008; 1000 Genomes Project 30x 0.00031; 1000 Genomes Project 0.00040.

Submissions (5):

PreventionGenetics, part of Exact Sciences
Classification: Likely benign for IGHMBP2-related condition. Last evaluated: 2026-09-22. Review status: criteria provided, single submitter. Criteria: ACMG Guidelines, 2015. Collection method: clinical testing. Allele origin: germline.
Comment: This variant is classified as likely benign based on ACMG/AMP sequence variant interpretation guidelines (Richards et al. 2015 PMID: 25741868, with internal and published modifications).

CeGaT Center for Human Genetics Tuebingen
Classification: Likely benign. Last evaluated: 2026-05-01. Review status: criteria provided, single submitter. Criteria: CeGaT Center For Human Genetics Tuebingen Variant Classification Criteria Version 2. Collection method: clinical testing. Allele origin: germline. Affected: yes. Observed: 1 variant allele.
Comment: IGHMBP2: BP4, BP7

Labcorp Genetics (formerly Invitae), Labcorp
Classification: Likely benign for Autosomal recessive distal spinal muscular atrophy 1; Charcot-Marie-Tooth disease axonal type 2S. Last evaluated: 2025-04-23. Review status: criteria provided, single submitter. Criteria: Invitae Variant Classification Sherloc (09022015). Collection method: clinical testing. Allele origin: germline.

Ambry Genetics
Classification: Likely benign for Inborn genetic diseases. Last evaluated: 2019-07-11. Review status: criteria provided, single submitter. Criteria: Ambry Variant Classification Scheme 2023. Collection method: clinical testing. Allele origin: germline.

Illumina Laboratory Services, Illumina
Classification: Uncertain significance for Autosomal recessive distal spinal muscular atrophy 1. Last evaluated: 2018-01-12. Review status: criteria provided, single submitter. Criteria: ICSL Variant Classification Criteria 13 December 2019. Collection method: clinical testing. Allele origin: germline.

NM_002180.3(IGHMBP2):c.2361G>A (p.Pro787=)

Gene: IGHMBP2 (immunoglobulin mu DNA binding protein 2; plus strand). Cytogenetic location: 11q13.3.
Variant type: single nucleotide variant.
Coding change: c.2361G>A on transcript NM_002180.3 (MANE Select); coding-DNA position 2361, G replaced by A.
Protein change: p.Pro787=; no amino-acid change (proline 787 retained).
Molecular consequence: synonymous variant.
Genome position (GRCh38, 1-based): chr11:68,936,841, G>A. VCF-style: chr11-68936841-G-A. GRCh37 (hg19) VCF-style: chr11-68704309-G-A.
Identifiers: ClinVar variation 305854 (VCV000305854.17), dbSNP rs187924099, ClinGen allele CA6153890.